The following is an entry in ClinVar:

NM_173728.4(ARHGEF15):c.1769C>T (p.Ala590Val)

Gene: ARHGEF15 (Rho guanine nucleotide exchange factor 15; plus strand). Cytogenetic location: 17p13.1.
Variant type: single nucleotide variant.
Coding change: c.1769C>T on transcript NM_173728.4 (MANE Select); coding-DNA position 1769, C replaced by T.
Protein change: p.Ala590Val; replaces alanine 590 with valine.
Molecular consequence: missense variant.
Genome position (GRCh38, 1-based): chr17:8,318,451, C>T. VCF-style: chr17-8318451-C-T. GRCh37 (hg19) VCF-style: chr17-8221769-C-T.
Other names: c.1769C>T, p.Ala590Val (NM_025014.2); short protein forms A590V.
Identifiers: ClinVar variation 4808907 (VCV004808907.1).

ClinVar aggregate classification (germline): Uncertain significance (1 of 4 stars; one submission).

Conditions:
Early-infantile DEE. Also called: Early infantile epileptic encephalopathy; Early infantile epileptic encephalopathy with suppression bursts; Ohtahara syndrome. Identifiers: Orphanet 1934, MedGen C0393706, MONDO:0800491.

Submission:

Labcorp Genetics (formerly Invitae), Labcorp
Classification: Uncertain significance for Early-infantile DEE. Last evaluated: 2025-08-29. Review status: criteria provided, single submitter. Criteria: Invitae Variant Classification Sherloc (09022015). Collection method: clinical testing. Allele origin: germline.
Comment: This sequence change replaces alanine, which is neutral and non-polar, with valine, which is neutral and non-polar, at codon 590 of the ARHGEF15 protein (p.Ala590Val). This variant is not present in population databases (gnomAD no frequency). This variant has not been reported in the literature in individuals affected with ARHGEF15-related conditions. An algorithm developed to predict the effect of missense changes on protein structure and function (PolyPhen-2) suggests that this variant is likely to be disruptive. In summary, the available evidence is currently insufficient to determine the role of this variant in disease. Therefore, it has been classified as a Variant of Uncertain Significance.